The following is an entry in ClinVar:

ClinVar aggregate classification (germline): Likely benign (0 of 4 stars; one submission).

Conditions:
PEX11B-related disorder. Also called: PEX11B-related condition.

Submission:

PreventionGenetics, part of Exact Sciences
Classification: Likely benign for PEX11B-related condition. Last evaluated: 2021-12-14. Review status: no assertion criteria provided. Collection method: clinical testing. Allele origin: germline.
Comment: This variant is classified as likely benign based on ACMG/AMP sequence variant interpretation guidelines (Richards et al. 2015 PMID: 25741868, with internal and published modifications).

NM_003846.3(PEX11B):c.173-9C>T

Gene: PEX11B (peroxisomal biogenesis factor 11 beta; minus strand). Cytogenetic location: 1q21.1.
Variant type: single nucleotide variant.
Coding change: c.173-9C>T on transcript NM_003846.3 (MANE Select); 9 bases into the intron before coding-DNA position 173, C replaced by T.
Molecular consequence: intron variant.
Genome position (GRCh38, 1-based): chr1:145,917,027, G>A on the plus strand (C>T on the coding strand, the complement: PEX11B is on the minus strand). VCF-style: chr1-145917027-G-A. GRCh37 (hg19) VCF-style: chr1-145518062-C-T.
Other names: c.131-9C>T (NM_001184795.1).
Identifiers: ClinVar variation 3056906 (VCV003056906.2), dbSNP rs1553754025, ClinGen allele CA2740090350.